The following is an entry in ClinVar:

NM_003128.3(SPTBN1):c.4166G>A (p.Cys1389Tyr)

Gene: SPTBN1 (spectrin beta, non-erythrocytic 1; plus strand). Cytogenetic location: 2p16.2.
Variant type: single nucleotide variant.
Coding change: c.4166G>A on transcript NM_003128.3 (MANE Select); coding-DNA position 4166, G replaced by A.
Protein change: p.Cys1389Tyr; replaces cysteine 1389 with tyrosine.
Molecular consequence: missense variant.
Genome position (GRCh38, 1-based): chr2:54,644,483, G>A. VCF-style: chr2-54644483-G-A. GRCh37 (hg19) VCF-style: chr2-54871620-G-A.
Other names: c.4127G>A, p.Cys1376Tyr (NM_178313.3); short protein forms C1376Y, C1389Y.
Identifiers: ClinVar variation 2573499 (VCV002573499.2), dbSNP rs763159763, ClinGen allele CA346899552.
Genomic context (GRCh38, chr2:54,644,483, plus strand): 5'-CCCAGACAAAGGCCCAGCGGCTCTTTGATGCAAACAAGGCCGAACTTTTCACCCAGAGCT[G>A]TGCAGATCTAGACAAATGGCTGCACGGCCTGGAGAGTCAGATTCAGTCTGATGACTATGG-3'
Protein context (NP_003119.2, residues 1379-1399): ANKAELFTQS[Cys1389Tyr]ADLDKWLHGL

ClinVar aggregate classification (germline): Uncertain significance (1 of 4 stars; one submission).

gnomAD v4.1: 1 of 1,614,240 alleles (0.000062%); highest among the groups gnomAD compares: Non-Finnish European, 0.000085%; no homozygotes.

Submission:

Women's Health and Genetics/Laboratory Corporation of America, LabCorp
Classification: Uncertain significance. Last evaluated: 2025-04-25. Review status: criteria provided, single submitter. Criteria: LabCorp Variant Classification Summary - May 2015. Collection method: clinical testing. Allele origin: germline.
Comment: Variant summary: SPTBN1 c.4166G>A (p.Cys1389Tyr) results in a non-conservative amino acid change located in the Spectrin repeat (IPR002017) of the encoded protein sequence. Three of five in-silico tools predict a benign effect of the variant on protein function. The variant was absent in 251468 control chromosomes. The available data on variant occurrences in the general population are insufficient to allow any conclusion about variant significance. To our knowledge, no occurrence of c.4166G>A in individuals affected with Developmental Delay, Impaired Speech, And Behavioral Abnormalities and no experimental evidence demonstrating its impact on protein function have been reported. ClinVar contains an entry for this variant (Variation ID: 2573499). Based on the evidence outlined above, the variant was classified as uncertain significance.